The following is an entry in ClinVar:

ClinVar aggregate classification (germline): Uncertain significance (1 of 4 stars; one submission).

Conditions:
Luscan-Lumish syndrome. Identifiers: Orphanet 597738, MedGen C4085873, MONDO:0014791, OMIM 616831.

gnomAD v4.1: 3 of 1,611,920 alleles (0.00019%); highest among the groups gnomAD compares: Non-Finnish European, 0.00025%; no homozygotes.

Submission:

Labcorp Genetics (formerly Invitae), Labcorp
Classification: Uncertain significance for Luscan-Lumish syndrome. Last evaluated: 2024-10-05. Review status: criteria provided, single submitter. Criteria: Invitae Variant Classification Sherloc (09022015). Collection method: clinical testing. Allele origin: germline.
Comment: This sequence change replaces leucine, which is neutral and non-polar, with serine, which is neutral and polar, at codon 1106 of the SETD2 protein (p.Leu1106Ser). This variant is present in population databases (rs750263551, gnomAD 0.0009%). This variant has not been reported in the literature in individuals affected with SETD2-related conditions. Invitae Evidence Modeling of protein sequence and biophysical properties (such as structural, functional, and spatial information, amino acid conservation, physicochemical variation, residue mobility, and thermodynamic stability) indicates that this missense variant is not expected to disrupt SETD2 protein function with a negative predictive value of 80%. In summary, the available evidence is currently insufficient to determine the role of this variant in disease. Therefore, it has been classified as a Variant of Uncertain Significance.

NM_014159.7(SETD2):c.3317T>C (p.Leu1106Ser)

Gene: SETD2 (SET domain containing 2, histone lysine methyltransferase; minus strand). Cytogenetic location: 3p21.31.
Variant type: single nucleotide variant.
Coding change: c.3317T>C on transcript NM_014159.7 (MANE Select); coding-DNA position 3317, T replaced by C.
Protein change: p.Leu1106Ser; replaces leucine 1106 with serine.
Molecular consequence: missense variant. On other transcripts: non-coding transcript variant (1).
Genome position (GRCh38, 1-based): chr3:47,121,319, A>G on the plus strand (T>C on the coding strand, the complement: SETD2 is on the minus strand). VCF-style: chr3-47121319-A-G. GRCh37 (hg19) VCF-style: chr3-47162809-A-G.
Other names: c.3185T>C, p.Leu1062Ser (NM_001349370.3); short protein forms L1106S, L1062S.
Identifiers: ClinVar variation 3674183 (VCV003674183.2).